The following is an entry in ClinVar:

NM_002017.5(FLI1):c.1118C>T (p.Pro373Leu)

Gene: FLI1 (Fli-1 proto-oncogene, ETS transcription factor; plus strand). Cytogenetic location: 11q24.3.
Variant type: single nucleotide variant.
Coding change: c.1118C>T on transcript NM_002017.5 (MANE Select); coding-DNA position 1118, C replaced by T.
Protein change: p.Pro373Leu; replaces proline 373 with leucine.
Molecular consequence: missense variant.
Genome position (GRCh38, 1-based): chr11:128,810,747, C>T. VCF-style: chr11-128810747-C-T. GRCh37 (hg19) VCF-style: chr11-128680642-C-T.
Other names: c.1019C>T, p.Pro340Leu (NM_001167681.3, NM_001440369.1, NM_001440370.1 and 1 more transcripts); c.920C>T, p.Pro307Leu (NM_001271010.2); c.539C>T, p.Pro180Leu (NM_001271012.2); c.992C>T, p.Pro331Leu (NM_001440372.1); short protein forms P331L, P373L, P307L, P340L, P180L.
Identifiers: ClinVar variation 4737034 (VCV004737034.1).

ClinVar aggregate classification (germline): Uncertain significance (1 of 4 stars; one submission).

gnomAD v4.1: 8 of 1,613,968 alleles (0.0005%); highest among the groups gnomAD compares: East Asian, 0.0022%; no homozygotes.

Submission:

Labcorp Genetics (formerly Invitae), Labcorp
Classification: Uncertain significance. Last evaluated: 2025-06-05. Review status: criteria provided, single submitter. Criteria: Invitae Variant Classification Sherloc (09022015). Collection method: clinical testing. Allele origin: germline.
Comment: This sequence change replaces proline, which is neutral and non-polar, with leucine, which is neutral and non-polar, at codon 373 of the FLI1 protein (p.Pro373Leu). This variant is present in population databases (no rsID available, gnomAD 0.02%). This variant has not been reported in the literature in individuals affected with FLI1-related conditions. Invitae Evidence Modeling of protein sequence and biophysical properties (such as structural, functional, and spatial information, amino acid conservation, physicochemical variation, residue mobility, and thermodynamic stability) indicates that this missense variant is not expected to disrupt FLI1 protein function with a negative predictive value of 80%. In summary, the available evidence is currently insufficient to determine the role of this variant in disease. Therefore, it has been classified as a Variant of Uncertain Significance.